The following is an entry in ClinVar:

NM_001302371.3(NBPF10):c.9428= (p.Glu3143=)

Gene: NBPF10 (NBPF member 10; minus strand). Cytogenetic location: 1q21.1.
Variant type: Variation.
Coding change: c.9428= on transcript NM_001302371.3 (MANE Select); coding-DNA position 9428, no change from the reference sequence.
Protein change: p.Glu3143=; no amino-acid change (glutamic acid 3143 retained).
Molecular consequence: no sequence alteration. On other transcripts: intron variant (1).
Genome position: GRCh38 VCF-style: chr1-146077610-T-T. GRCh37 (hg19) VCF-style: chr1-145360584-G-A.
Other names: c.9398+626= (NM_001039703.6).
Identifiers: ClinVar variation 3239100 (VCV003239100.19).

ClinVar aggregate classification (germline): Likely benign (1 of 4 stars; one submission).

Submission:

CeGaT Center for Human Genetics Tuebingen
Classification: Likely benign. Last evaluated: 2024-05-01. Review status: criteria provided, single submitter. Criteria: CeGaT Center For Human Genetics Tuebingen Variant Classification Criteria Version 2. Collection method: clinical testing. Allele origin: germline. Affected: yes. Observed: 1 variant allele.
Comment: NBPF10: BP4, BS2